The following is an entry in ClinVar:

ClinVar aggregate classification (germline): Uncertain significance (1 of 4 stars; one submission).

Submission:

Ambry Genetics
Classification: Uncertain significance. Last evaluated: 2024-06-12. Review status: criteria provided, single submitter. Criteria: Ambry Variant Classification Scheme 2023. Collection method: clinical testing. Allele origin: germline.
Comment: The p.G147R variant (also known as c.439G>A), located in coding exon 4 of the BUB3 gene, results from a G to A substitution at nucleotide position 439. The glycine at codon 147 is replaced by arginine, an amino acid with dissimilar properties. This amino acid position is conserved. In addition, this alteration is predicted to be deleterious by in silico analysis. Based on the available evidence, the clinical significance of this variant remains unclear.

NM_004725.4(BUB3):c.439G>A (p.Gly147Arg)

Gene: BUB3 (BUB3 mitotic checkpoint protein; plus strand). Cytogenetic location: 10q26.13.
Variant type: single nucleotide variant.
Coding change: c.439G>A on transcript NM_004725.4 (MANE Select); coding-DNA position 439, G replaced by A.
Protein change: p.Gly147Arg; replaces glycine 147 with arginine.
Molecular consequence: missense variant.
Genome position (GRCh38, 1-based): chr10:123,160,428, G>A. VCF-style: chr10-123160428-G-A. GRCh37 (hg19) VCF-style: chr10-124919944-G-A.
Other names: c.439G>A, p.Gly147Arg (NM_001007793.3); short protein forms G147R.
Identifiers: ClinVar variation 3262298 (VCV003262298.1).